The following is an entry in ClinVar:

NM_003823.4(TNFRSF6B):c.175C>T (p.Gln59Ter)

Genes: TNFRSF6B (TNF receptor superfamily member 6b; plus strand), RTEL1-TNFRSF6B (RTEL1-TNFRSF6B readthrough (NMD candidate); plus strand), RTEL1 (regulator of telomere elongation helicase 1; plus strand). Cytogenetic location: 20q13.33.
Variant type: single nucleotide variant.
Coding change: c.175C>T on transcript NM_003823.4 (MANE Select); coding-DNA position 175, C replaced by T.
Protein change: p.Gln59Ter; replaces glutamine 59 with a stop codon.
Molecular consequence: nonsense. On other transcripts: non-coding transcript variant (1).
Genome position (GRCh38, 1-based): chr20:63,696,942, C>T. VCF-style: chr20-63696942-C-T. GRCh37 (hg19) VCF-style: chr20-62328295-C-T.
Other names: short protein forms Q59*.
Identifiers: ClinVar variation 556165 (VCV000556165.3), dbSNP rs747918186, ClinGen allele CA9966349.
Genomic context (GRCh38, chr20:63,696,942, plus strand): 5'-CGGGACGCAGAGACAGGGGAGCGGCTGGTGTGCGCCCAGTGCCCCCCAGGCACCTTTGTG[C>T]AGCGGCCGTGCCGCCGAGACAGCCCCACGACGTGTGGCCCGTGTCCACCGCGCCACTACA-3'

ClinVar aggregate classification (germline): Uncertain significance. Review status: criteria provided, single submitter (1 of 4 stars). 2 submissions from 2 submitters: Uncertain significance (1). 1 of the submissions does not count toward it. Last evaluated 2025-01-29.

Conditions:
Dyskeratosis congenita, autosomal recessive 5 (DKCB5). Identifiers: MedGen C3554656, MONDO:0014076, OMIM 615190.

Allele frequency attached by ClinVar (database versions not stated): ExAC 0.00001; gnomAD exomes 0.00002 and 0.00003; TOPMed 0.00002.

Submissions (2):

Labcorp Genetics (formerly Invitae), Labcorp
Classification: Uncertain significance. Last evaluated: 2025-01-29. Review status: criteria provided, single submitter. Criteria: Invitae Variant Classification Sherloc (09022015). Collection method: clinical testing. Allele origin: germline.
Comment: This sequence change creates a premature translational stop signal (p.Gln59*) in the TNFRSF6B gene. It is expected to result in an absent or disrupted protein product. However, the current clinical and genetic evidence is not sufficient to establish whether loss-of-function variants in TNFRSF6B cause disease. This variant is present in population databases (rs747918186, gnomAD 0.02%). This variant has not been reported in the literature in individuals affected with TNFRSF6B-related conditions. ClinVar contains an entry for this variant (Variation ID: 556165). In summary, the available evidence is currently insufficient to determine the role of this variant in disease. Therefore, it has been classified as a Variant of Uncertain Significance.

Counsyl
Classification: Uncertain significance for Dyskeratosis congenita, autosomal recessive 5. Last evaluated: 2018-01-16. Review status: no assertion criteria provided. Collection method: clinical testing. Allele origin: unknown. Not counted in ClinVar's aggregate classification.